The following is an entry in ClinVar:

ClinVar aggregate classification (germline): Uncertain significance (1 of 4 stars; one submission).

Conditions:
Hereditary breast ovarian cancer syndrome. Also called: Hereditary breast and/or ovarian cancer syndrome; BRCA1- and BRCA2-Associated Hereditary Breast and Ovarian Cancer; Hereditary breast and ovarian cancer syndrome; Hereditary breast and ovarian cancer; Hereditary breast and ovarian cancer syndrome (HBOC); Breast and ovarian cancer. Identifiers: Orphanet 145, MedGen C0677776, MeSH D061325, MONDO:0003582. Disease mechanism: loss of function.

Submissions (2):

Labcorp Genetics (formerly Invitae), Labcorp
Classification: Uncertain significance for Hereditary breast ovarian cancer syndrome. Last evaluated: 2025-09-20. Review status: criteria provided, single submitter. Criteria: Invitae Variant Classification Sherloc (09022015). Collection method: clinical testing. Allele origin: germline.
Comment: This sequence change replaces leucine, which is neutral and non-polar, with valine, which is neutral and non-polar, at codon 52 of the BRCA1 protein (p.Leu52Val). This variant is not present in population databases (gnomAD no frequency). This variant has not been reported in the literature in individuals affected with BRCA1-related conditions. ClinVar contains an entry for this variant (Variation ID: 867281). Invitae Evidence Modeling incorporating data from in vitro experimental studies (PMID: 30209399) indicates that this missense variant is not expected to disrupt BRCA1 function with a negative predictive value of 95%. In summary, the available evidence is currently insufficient to determine the role of this variant in disease. Therefore, it has been classified as a Variant of Uncertain Significance.

Brotman Baty Institute, University of Washington
No classification provided (evidence only). Condition: Breast-ovarian cancer, familial 1. Review status: no classification provided. Collection method: in vitro. Allele origin: not applicable. Functional consequence: functionally_normal. Not counted in ClinVar's aggregate classification.
ClinVar note: "not provided" was previously submitted as the classification for the variant. However, the classification appeared to be based only on an observation of functional data so it was converted to no classification on 2025-07-30.

Literature cited by the submitters: PubMed 30209399 (cited by Labcorp Genetics (formerly Invitae), Labcorp).

NM_007294.4(BRCA1):c.154C>G (p.Leu52Val)

Gene: BRCA1 (BRCA1 DNA repair associated; minus strand). Cytogenetic location: 17q21.31.
Variant type: single nucleotide variant.
Coding change: c.154C>G on transcript NM_007294.4 (MANE Select); coding-DNA position 154, C replaced by G.
Protein change: p.Leu52Val; replaces leucine 52 with valine.
Molecular consequence: missense variant. On other transcripts: non-coding transcript variant (1).
Genome position (GRCh38, 1-based): chr17:43,106,514, G>C on the plus strand (C>G on the coding strand, the complement: BRCA1 is on the minus strand). VCF-style: chr17-43106514-G-C. GRCh37 (hg19) VCF-style: chr17-41258531-G-C.
Other names: c.154C>G, p.Leu52Val (NM_001408400.1, NM_001408401.1, NM_001408402.1 and 168 more transcripts); c.13C>G, p.Leu5Val (NM_001408410.1, NM_001408452.1, NM_001408453.1 and 99 more transcripts); c.-35C>G (NM_001408478.1, NM_001408479.1, NM_001408480.1 and 58 more transcripts); short protein forms L52V, L5V.
Identifiers: ClinVar variation 867281 (VCV000867281.4), dbSNP rs80357084, ClinGen allele CA10601848.
Genomic context (GRCh38, chr17:43,106,514, plus strand): 5'-ACCTTTTGGTTATATCATTCTTACATAAAGGACACTGTGAAGGCCCTTTCTTCTGGTTGA[G>C]AAGTTTCAGCATGCAAAATCTATAAATTATAAAGAAAGAAAGAACAATTTAATTTACTTC-3'
Protein context (NP_009225.1, residues 42-62): IFCKFCMLKL[Leu52Val]NQKKGPSQCP